The following is an entry in ClinVar:

ClinVar aggregate classification (germline): Likely benign (1 of 4 stars; one submission).

Allele frequency attached by ClinVar (database versions not stated): 1000 Genomes Project 30x 0.00031; 1000 Genomes Project 0.00040; TOPMed 0.00119; gnomAD 0.00144; ESP Exome Variant Server 0.00169; gnomAD exomes 0.00224; ExAC 0.00293.
gnomAD v4.1: 3,415 of 1,604,378 alleles (0.21%); highest among the groups gnomAD compares: Non-Finnish European, 0.26%; 7 homozygotes.

Submission:

CeGaT Center for Human Genetics Tuebingen
Classification: Likely benign. Last evaluated: 2024-06-01. Review status: criteria provided, single submitter. Criteria: CeGaT Center For Human Genetics Tuebingen Variant Classification Criteria Version 2. Collection method: clinical testing. Allele origin: germline. Affected: yes. Observed: 1 variant allele.
Comment: CHAF1A: BP4, BS2

NM_005483.3(CHAF1A):c.2827A>G (p.Thr943Ala)

Gene: CHAF1A (chromatin assembly factor 1 subunit A; plus strand). Cytogenetic location: 19p13.3.
Variant type: single nucleotide variant.
Coding change: c.2827A>G on transcript NM_005483.3 (MANE Select); coding-DNA position 2827, A replaced by G.
Protein change: p.Thr943Ala; replaces threonine 943 with alanine.
Molecular consequence: missense variant.
Genome position (GRCh38, 1-based): chr19:4,442,981, A>G. VCF-style: chr19-4442981-A-G. GRCh37 (hg19) VCF-style: chr19-4442978-A-G.
Other names: short protein forms T943A.
Identifiers: ClinVar variation 3250530 (VCV003250530.18), dbSNP rs147615871.
Genomic context (GRCh38, chr19:4,442,981, plus strand): 5'-GCAGAGGTCCAAGCCCCGTGTGGAGCCGCTTCCGGAGCTGGGGGTGGTGTGGGGGTGGAC[A>G]CCGGCAAGGCCACCCTGACCGCGAGCCCACTGGGTGCATCCTGAGAGCAGGGGTGACGTA-3'
Protein context (NP_005474.2, residues 933-953): SGAGGGVGVD[Thr943Ala]GKATLTASPL